The following is an entry in ClinVar:

NM_004944.4(DNASE1L3):c.317del (p.Tyr106fs)

Gene: DNASE1L3 (deoxyribonuclease 1L3; minus strand). Cytogenetic location: 3p14.3.
Variant type: Deletion.
Coding change: c.317del on transcript NM_004944.4 (MANE Select); coding-DNA position 317, one base deleted (A; older notation c.317delA).
Protein change: p.Tyr106fs; shifts the reading frame from tyrosine 106.
Molecular consequence: frameshift variant. On other transcripts: intron variant (1).
Genome position (GRCh38, 1-based): chr3:58,205,474, T deleted on the plus strand (A on the coding strand, the reverse complement: DNASE1L3 is on the minus strand). VCF-style (leftmost placement, unchanged base first): chr3-58205473-GT-G. GRCh37 (hg19) VCF-style: chr3-58191200-GT-G.
Other names: c.231-593del (NM_001256560.2); short protein forms Y106fs.
Identifiers: ClinVar variation 2053983 (VCV002053983.6), dbSNP rs1164270727, ClinGen allele CA543251863.

ClinVar aggregate classification (germline): Pathogenic/Likely pathogenic. Review status: criteria provided, multiple submitters, no conflicts (2 of 4 stars). 3 submissions from 3 submitters: Pathogenic (2); Likely pathogenic (1). Last evaluated 2025-06-12.

Conditions:
Autosomal systemic lupus erythematosus type 16. Also called: Systemic lupus erythematosus 16. Identifiers: Orphanet 300345, MedGen C3280742, MONDO:0013743, OMIM 614420.

Allele frequency attached by ClinVar (database versions not stated): gnomAD exomes below 0.00001; gnomAD 0.00003; TOPMed 0.00003.

Submissions (3):

Labcorp Genetics (formerly Invitae), Labcorp
Classification: Pathogenic. Last evaluated: 2025-06-12. Review status: criteria provided, single submitter. Criteria: Invitae Variant Classification Sherloc (09022015). Collection method: clinical testing. Allele origin: germline.
Comment: This sequence change creates a premature translational stop signal (p.Tyr106Serfs*8) in the DNASE1L3 gene. It is expected to result in an absent or disrupted protein product. Loss-of-function variants in DNASE1L3 are known to be pathogenic (PMID: 24206041, 27821515). This variant is present in population databases (no rsID available, gnomAD 0.008%). This variant has not been reported in the literature in individuals affected with DNASE1L3-related conditions. ClinVar contains an entry for this variant (Variation ID: 2053983). For these reasons, this variant has been classified as Pathogenic.

Laboratorio de Genetica e Diagnostico Molecular, Hospital Israelita Albert Einstein
Classification: Pathogenic for Autosomal systemic lupus erythematosus type 16. Last evaluated: 2024-08-09. Review status: criteria provided, single submitter. Criteria: ACMG Guidelines, 2015. Collection method: clinical testing. Allele origin: germline. Affected: yes.
Comment: ACMG classification criteria: PVS1 very strong, PM2 supporting

Fulgent Genetics
Classification: Likely pathogenic for Autosomal systemic lupus erythematosus type 16. Last evaluated: 2024-05-31. Review status: criteria provided, single submitter. Criteria: ACMG Guidelines, 2015. Collection method: clinical testing. Allele origin: germline.

Literature cited by the submitters: PubMed 24206041 (cited by Labcorp Genetics (formerly Invitae), Labcorp); PubMed 27821515 (cited by Labcorp Genetics (formerly Invitae), Labcorp).